The following is an entry in ClinVar:

NM_003002.4(SDHD):c.315-32T>C

Gene: SDHD (succinate dehydrogenase complex subunit D; plus strand). Cytogenetic location: 11q23.1.
Variant type: single nucleotide variant.
Coding change: c.315-32T>C on transcript NM_003002.4 (MANE Select); 32 bases into the intron before coding-DNA position 315, T replaced by C.
Molecular consequence: intron variant.
Genome position (GRCh38, 1-based): chr11:112,094,773, T>C. VCF-style: chr11-112094773-T-C. GRCh37 (hg19) VCF-style: chr11-111965497-T-C.
Other names: c.13-32T>C (NM_001276506.2); c.170-32T>C (NM_001276503.2); c.198-32T>C (NM_001276504.2); c.315-32T>C (NM_003002.3).
Identifiers: ClinVar variation 440262 (VCV000440262.35), dbSNP rs4151637, ClinGen allele CA071210.

ClinVar aggregate classification (germline): Benign/Likely benign. Review status: criteria provided, multiple submitters, no conflicts (2 of 4 stars). 10 submissions from 7 submitters: Benign (9); Likely benign (1). Last evaluated 2026-01-26.

Conditions:
Paragangliomas with sensorineural hearing loss. Identifiers: MedGen C1868633.
Cowden syndrome 3 (CWS3). Identifiers: Orphanet 201, MedGen CN166604, MONDO:0014045.
Pheochromocytoma. Also called: MAX-Related Hereditary Paraganglioma-Pheochromocytoma Syndrome. Identifiers: Orphanet 29072, MedGen C0031511, MONDO:0008233, OMIM 171300, HP:0002666.
Carney-Stratakis syndrome. Also called: PARAGANGLIOMA AND GASTROINTESTINAL STROMAL TUMOR. Identifiers: Orphanet 97286, MedGen C1847319, MONDO:0011740, OMIM 606864.
Mitochondrial complex 2 deficiency, nuclear type 3. Also called: MITOCHONDRIAL COMPLEX II DEFICIENCY, NUCLEAR TYPE 3. Identifiers: MedGen C5436934, MONDO:0030937, OMIM 619167.
Pheochromocytoma/paraganglioma syndrome 1. Also called: Paraganglioma - glomus jugulare; SDHD-Related Hereditary Paraganglioma-Pheochromocytoma Syndrome; Paragangliomas 1; PARAGANGLIOMATA; Glomus tumors familial 1; PARAGANGLIOMAS, FAMILIAL NONCHROMAFFIN, 1. Identifiers: Orphanet 29072, MedGen C3494181, MONDO:0008192, OMIM 168000.
Pheochromocytoma/paraganglioma syndrome 3. Also called: GLOMUS TUMORS, FAMILIAL, 3; SDHC-Related Hereditary Paraganglioma-Pheochromocytoma Syndrome (Paragangliomas 3); SDHC-Related Hereditary Paraganglioma-Pheochromocytoma Syndrome; Paragangliomas 3. Identifiers: Orphanet 29072, MedGen C1854336, MONDO:0011544, OMIM 605373.

Allele frequency attached by ClinVar (database versions not stated): gnomAD 0.10735 and 0.11444; 1000 Genomes Project 0.11342; ESP Exome Variant Server 0.11459; 1000 Genomes Project 30x 0.12117; TOPMed 0.12136.
gnomAD v4.1: 44,068 of 1,598,104 alleles (2.8%); highest among the groups gnomAD compares: African/African-American, 35%; 5,014 homozygotes.

Submissions (10):

Labcorp Genetics (formerly Invitae), Labcorp
Classification: Benign for Carney-Stratakis syndrome; Paragangliomas with sensorineural hearing loss; Pheochromocytoma; Cowden syndrome 3. Last evaluated: 2026-01-26. Review status: criteria provided, single submitter. Criteria: Invitae Variant Classification Sherloc (09022015). Collection method: clinical testing. Allele origin: germline.

Center for Genomic Medicine, Rigshospitalet, Copenhagen University Hospital
Classification: Likely benign. Last evaluated: 2025-03-04. Review status: criteria provided, single submitter. Criteria: ACMG Guidelines, 2015. Collection method: clinical testing. Allele origin: germline.

KCCC/NGS Laboratory, Kuwait Cancer Control Center
Classification: Benign for Pheochromocytoma/paraganglioma syndrome 1. Last evaluated: 2025-02-01. Review status: criteria provided, single submitter. Criteria: ACMG Guidelines, 2015. Collection method: clinical testing. Allele origin: germline. Affected: no.

KCCC/NGS Laboratory, Kuwait Cancer Control Center
Classification: Benign for Pheochromocytoma/paraganglioma syndrome 3. Last evaluated: 2023-07-07. Review status: criteria provided, single submitter. Criteria: ACMG Guidelines, 2015. Collection method: clinical testing. Allele origin: germline. Affected: yes.

ARUP Laboratories, Molecular Genetics and Genomics, ARUP Laboratories
Classification: Benign. Last evaluated: 2022-09-13. Review status: criteria provided, single submitter. Criteria: ARUP Molecular Germline Variant Investigation Process 2021. Collection method: clinical testing. Allele origin: germline.

Genome-Nilou Lab
Classification: Benign for Mitochondrial complex 2 deficiency, nuclear type 3. Last evaluated: 2021-07-15. Review status: criteria provided, single submitter. Criteria: ACMG Guidelines, 2015. Collection method: clinical testing. Allele origin: germline. Affected: no.

Genome-Nilou Lab
Classification: Benign for Pheochromocytoma/paraganglioma syndrome 1. Last evaluated: 2021-07-15. Review status: criteria provided, single submitter. Criteria: ACMG Guidelines, 2015. Collection method: clinical testing. Allele origin: germline. Affected: no.

Genome-Nilou Lab
Classification: Benign for Pheochromocytoma. Last evaluated: 2021-07-15. Review status: criteria provided, single submitter. Criteria: ACMG Guidelines, 2015. Collection method: clinical testing. Allele origin: germline. Affected: no.

GeneDx
Classification: Benign. Last evaluated: 2015-03-03. Review status: criteria provided, single submitter. Criteria: GeneDx Variant Classification Process June 2021. Collection method: clinical testing. Allele origin: germline. Affected: yes.
Comment: This variant is associated with the following publications: (PMID: 11391798, 27884173)

Breakthrough Genomics
Classification: Benign. Review status: criteria provided, single submitter. Criteria: ACMG Guidelines, 2015. Collection method: not provided. Allele origin: germline. Inheritance: Autosomal recessive inheritance. Affected: yes.